The following is an entry in ClinVar:

NM_015057.5(MYCBP2):c.4321C>T (p.Leu1441Phe)

Gene: MYCBP2 (MYC binding protein 2; minus strand). Cytogenetic location: 13q22.3.
Variant type: single nucleotide variant.
Coding change: c.4321C>T on transcript NM_015057.5 (MANE Select); coding-DNA position 4321, C replaced by T.
Protein change: p.Leu1441Phe; replaces leucine 1441 with phenylalanine.
Molecular consequence: missense variant.
Genome position (GRCh38, 1-based): chr13:77,185,994, G>A on the plus strand (C>T on the coding strand, the complement: MYCBP2 is on the minus strand). VCF-style: chr13-77185994-G-A. GRCh37 (hg19) VCF-style: chr13-77760129-G-A.
Other names: short protein forms L1441F.
Identifiers: ClinVar variation 4538750 (VCV004538750.1).
Genomic context (GRCh38, chr13:77,185,994, plus strand): 5'-AGCGCAGTCTCTCTAAATCTAGGAGTGTAGCTGTGAACTGGAATCCTTTTAATCCTCTAA[G>A]TTCTTCAACTCCTAAGACTAAGGTGGTCCAGCTCCAGTGAAGAATACTCAACAATGACTC-3'
Protein context (NP_055872.4, residues 1431-1451): WTTLVLGVEE[Leu1441Phe]RGLKGFQFTA

ClinVar aggregate classification (germline): Uncertain significance (1 of 4 stars; one submission).

Submission:

GeneDx
Classification: Uncertain significance. Last evaluated: 2025-06-21. Review status: criteria provided, single submitter. Criteria: GeneDx Variant Classification Process June 2021. Collection method: clinical testing. Allele origin: germline. Affected: yes.
Comment: Not observed at significant frequency in large population cohorts (gnomAD); In silico analysis suggests that this missense variant does not alter protein structure/function; Has not been previously published as pathogenic or benign to our knowledge